The following is an entry in ClinVar:

NM_005898.5(CAPRIN1):c.380_383del (p.Ile127fs)

Gene: CAPRIN1 (cell cycle associated protein 1; plus strand). Cytogenetic location: 11p13.
Variant type: Deletion.
Coding change: c.380_383del on transcript NM_005898.5 (MANE Select); coding-DNA positions 380 to 383, 4 bases deleted (TAAA; older notation c.380_383delTAAA).
Protein change: p.Ile127fs; shifts the reading frame from isoleucine 127.
Molecular consequence: frameshift variant.
Genome position (GRCh38, 1-based): chr11:34,076,249-34,076,252, TAAA deleted; deleting any 4 consecutive bases within chr11:34,076,247-34,076,252 gives the same sequence; the c. name uses the placement nearest the transcript's 3' end. VCF-style (leftmost placement, unchanged base first): chr11-34076246-CAATA-C. GRCh37 (hg19) VCF-style: chr11-34097793-CAATA-C.
Other names: c.380_383del, p.Ile127fs (NM_203364.3); short protein forms I127fs.
Identifiers: ClinVar variation 4294301 (VCV004294301.1).

ClinVar aggregate classification (germline): Likely pathogenic (1 of 4 stars; one submission).

Conditions:
Neurodevelopmental disorder with language impairment, autism, and attention deficit-hyperactivity disorder. Identifiers: MedGen C5935603, MONDO:0968945, OMIM 620782.

Submission:

Heart and Brain Genetics Lab, Heart and Brain Center of Clinical Excellence
Classification: Likely pathogenic for Neurodevelopmental disorder with language impairment, autism, and attention deficit-hyperactivity disorder. Last evaluated: 2024-09-09. Review status: criteria provided, single submitter. Criteria: ACMG Guidelines, 2015. Collection method: clinical testing. Allele origin: maternal. Inheritance: Autosomal dominant inheritance. Affected: yes. Observed: 1 variant allele.
Comment: Frameshift variant resulting in a premature termination codon predicted to undergo nonsense-mediated decay and loss of function. The variant meets PVS1 criteria as a null variant in CAPRIN1, where haploinsufficiency is an established disease mechanism for neurodevelopmental disorder with language impairment, autism, and ADHD (OMIM #620782), supported by 12 other pathogenic truncating variants (Pavinato et al. 2022, PMID:35979925). The variant is extremely rare in population databases (gnomAD frequency 0.00000399), meeting PM2 criteria. Applying PVS1 + PM2_Moderate + PP4, this variant is classified as Likely Pathogenic (Richards et al. 2015, PMID:25741868). Classification: Likely Pathogenic (Class 4)

Literature cited by the submitters: PubMed 35979925.